The following is an entry in ClinVar:

NM_001320.7(CSNK2B):c.532del (p.Arg178fs)

Gene: CSNK2B (casein kinase 2 beta; plus strand). Cytogenetic location: 6p21.33.
Variant type: Deletion.
Coding change: c.532del on transcript NM_001320.7 (MANE Select); coding-DNA position 532, one base deleted (A; older notation c.532delA).
Protein change: p.Arg178fs; shifts the reading frame from arginine 178.
Molecular consequence: frameshift variant.
Genome position (GRCh38, 1-based): chr6:31,669,483, A deleted. VCF-style (leftmost placement, unchanged base first): chr6-31669482-GA-G. GRCh37 (hg19) VCF-style: chr6-31637259-GA-G.
Other names: c.523del, p.Arg175fs (NM_001282385.2); short protein forms R175fs, R178fs.
Identifiers: ClinVar variation 4845396 (VCV004845396.1).

ClinVar aggregate classification (germline): Likely pathogenic (1 of 4 stars; one submission).

Conditions:
Poirier-Bienvenu neurodevelopmental syndrome (POBINDS). Identifiers: Orphanet 689397, MedGen C5231482, MONDO:0032889, OMIM 618732.

Submission:

Institute of Human Genetics, University of Leipzig Medical Center
Classification: Likely pathogenic for Poirier-Bienvenu neurodevelopmental syndrome. Last evaluated: 2026-03-25. Review status: criteria provided, single submitter. Criteria: ACMG Guidelines, 2015. Collection method: clinical testing. Allele origin: unknown. Inheritance: Autosomal dominant inheritance. Affected: yes.
Comment: Criteria applied: PVS1_STR,PM2